The following is an entry in ClinVar:

NM_014669.5(NUP93):c.2320C>G (p.Pro774Ala)

Gene: NUP93 (nucleoporin 93; plus strand). Cytogenetic location: 16q13.
Variant type: single nucleotide variant.
Coding change: c.2320C>G on transcript NM_014669.5 (MANE Select); coding-DNA position 2320, C replaced by G.
Protein change: p.Pro774Ala; replaces proline 774 with alanine.
Molecular consequence: missense variant.
Genome position (GRCh38, 1-based): chr16:56,841,804, C>G. VCF-style: chr16-56841804-C-G. GRCh37 (hg19) VCF-style: chr16-56875716-C-G.
Other names: c.1951C>G, p.Pro651Ala (NM_001242795.2, NM_001242796.2); short protein forms P651A, P774A.
Identifiers: ClinVar variation 3061388 (VCV003061388.2), dbSNP rs749128803, ClinGen allele CA8068741.

ClinVar aggregate classification (germline): Uncertain significance (0 of 4 stars; one submission).

Conditions:
NUP93-related disorder. Also called: NUP93-related condition.

Allele frequency attached by ClinVar (database versions not stated): ExAC 0.00001.
gnomAD v4.1: 3 of 1,614,172 alleles (0.00019%); highest among the groups gnomAD compares: East Asian, 0.0067%; no homozygotes.

Submission:

PreventionGenetics, part of Exact Sciences
Classification: Uncertain significance for NUP93-related condition. Last evaluated: 2024-02-09. Review status: no assertion criteria provided. Collection method: clinical testing. Allele origin: germline.
Comment: The NUP93 c.2320C>G variant is predicted to result in the amino acid substitution p.Pro774Ala. To our knowledge, this variant has not been reported in the literature. This variant is reported in 0.016% of alleles in individuals of East Asian descent in gnomAD. At this time, the clinical significance of this variant is uncertain due to the absence of conclusive functional and genetic evidence.